The following is an entry in ClinVar:

ClinVar aggregate classification (germline): Benign (1 of 4 stars; one submission).

gnomAD v4.1: 20,557 of 1,536,064 alleles (1.3%); highest among the groups gnomAD compares: Middle Eastern, 1.8%; 173 homozygotes.

Submission:

CeGaT Center for Human Genetics Tuebingen
Classification: Benign. Last evaluated: 2025-07-01. Review status: criteria provided, single submitter. Criteria: CeGaT Center For Human Genetics Tuebingen Variant Classification Criteria Version 2. Collection method: clinical testing. Allele origin: germline. Affected: yes. Observed: 1 variant allele.
Comment: TDRD12: BP4, BP7, BS1, BS2

NM_001366102.1(TDRD12):c.2907C>T (p.Ile969=)

Gene: TDRD12 (tudor domain containing 12; plus strand). Cytogenetic location: 19q13.11.
Variant type: single nucleotide variant.
Coding change: c.2907C>T on transcript NM_001366102.1 (MANE Select); coding-DNA position 2907, C replaced by T.
Protein change: p.Ile969=; no amino-acid change (isoleucine 969 retained).
Molecular consequence: synonymous variant.
Genome position (GRCh38, 1-based): chr19:32,811,279, C>T. VCF-style: chr19-32811279-C-T. GRCh37 (hg19) VCF-style: chr19-33302185-C-T.
Other names: c.2922C>T, p.Ile974= (NM_001437947.1); c.2907C>T, p.Ile969= (NM_001438799.1); c.2787C>T, p.Ile929= (NM_001438800.1, NM_001438801.1).
Identifiers: ClinVar variation 4083538 (VCV004083538.8).